The following is an entry in ClinVar:

NM_002880.4(RAF1):c.1194-9C>T

Gene: RAF1 (Raf-1 proto-oncogene, serine/threonine kinase; minus strand). Cytogenetic location: 3p25.2.
Variant type: single nucleotide variant.
Coding change: c.1194-9C>T on transcript NM_002880.4 (MANE Select); 9 bases into the intron before coding-DNA position 1194, C replaced by T.
Molecular consequence: intron variant.
Genome position (GRCh38, 1-based): chr3:12,590,983, G>A on the plus strand (C>T on the coding strand, the complement: RAF1 is on the minus strand). VCF-style: chr3-12590983-G-A. GRCh37 (hg19) VCF-style: chr3-12632482-G-A.
Other names: c.852-9C>T (NM_001354695.3); c.951-9C>T (NM_001354692.3, NM_001354691.3); c.1011-9C>T (NM_001354694.3); c.1095-9C>T (NM_001354693.3); c.1254-9C>T (NM_001354689.3); c.1194-9C>T (NM_001354690.3).
Identifiers: ClinVar variation 386492 (VCV000386492.14), dbSNP rs200322423, ClinGen allele CA2259553.
Genomic context (GRCh38, chr3:12,590,983, plus strand): 5'-GTCCTTTGTCATGTACCCCATGAAAAGCAGAATGTTCACATGCCGTGTTTTGCTGGGGAG[G>A]GGAGGGGAAGAGAGGAGAGGGAGGAGGAAAGTGCTCAGGGAGGTCTACTGTGCTTTCCCG-3'

ClinVar aggregate classification (germline): Likely benign. Review status: criteria provided, multiple submitters, no conflicts (2 of 4 stars). 4 submissions from 4 submitters: Likely benign (4). Last evaluated 2026-02-26.

Conditions:
RAF1-related disorder. Also called: RAF1-related disorders; RAF1-related condition.
RASopathy. Also called: Noonan spectrum disorder; rasopathies. Identifiers: Orphanet 536391, MedGen C5555857, MONDO:0021060.

Allele frequency attached by ClinVar (database versions not stated): gnomAD exomes 0.00001 and 0.00002; ExAC 0.00003; gnomAD 0.00005; TOPMed 0.00007; ESP Exome Variant Server 0.00015; 1000 Genomes Project 0.00020; 1000 Genomes Project 30x 0.00031.

Submissions (4):

PreventionGenetics, part of Exact Sciences
Classification: Likely benign for RAF1-related condition. Last evaluated: 2026-02-26. Review status: criteria provided, single submitter. Criteria: ACMG Guidelines, 2015. Collection method: clinical testing. Allele origin: germline.
Comment: This variant is classified as likely benign based on ACMG/AMP sequence variant interpretation guidelines (Richards et al. 2015 PMID: 25741868, with internal and published modifications).

Labcorp Genetics (formerly Invitae), Labcorp
Classification: Likely benign for RASopathy. Last evaluated: 2026-01-17. Review status: criteria provided, single submitter. Criteria: Invitae Variant Classification Sherloc (09022015). Collection method: clinical testing. Allele origin: germline.

Women's Health and Genetics/Laboratory Corporation of America, LabCorp
Classification: Likely benign. Last evaluated: 2025-05-22. Review status: criteria provided, single submitter. Criteria: LabCorp Variant Classification Summary - May 2015. Collection method: clinical testing. Allele origin: germline.

GeneDx
Classification: Likely benign. Last evaluated: 2018-01-23. Review status: criteria provided, single submitter. Criteria: GeneDx Variant Classification (06012015). Collection method: clinical testing. Allele origin: germline. Affected: yes.
Comment: This variant is considered likely benign or benign based on one or more of the following criteria: it is a conservative change, it occurs at a poorly conserved position in the protein, it is predicted to be benign by multiple in silico algorithms, and/or has population frequency not consistent with disease.